The following is an entry in ClinVar:

ClinVar aggregate classification (germline): Uncertain significance (1 of 4 stars; one submission).

Submission:

GeneDx
Classification: Uncertain significance. Last evaluated: 2024-11-13. Review status: criteria provided, single submitter. Criteria: GeneDx Variant Classification Process June 2021. Collection method: clinical testing. Allele origin: germline. Affected: yes.
Comment: Not observed at significant frequency in large population cohorts (gnomAD); In silico analysis supports that this missense variant has a deleterious effect on protein structure/function; Has not been previously published as pathogenic or benign to our knowledge

NM_001123385.2(BCOR):c.5024T>C (p.Met1675Thr)

Gene: BCOR (BCL6 corepressor; minus strand). Cytogenetic location: Xp11.4.
Variant type: single nucleotide variant.
Coding change: c.5024T>C on transcript NM_001123385.2 (MANE Select); coding-DNA position 5024, T replaced by C.
Protein change: p.Met1675Thr; replaces methionine 1675 with threonine.
Molecular consequence: missense variant.
Genome position (GRCh38, 1-based): chrX:40,052,353, A>G on the plus strand (T>C on the coding strand, the complement: BCOR is on the minus strand). VCF-style: chrX-40052353-A-G. GRCh37 (hg19) VCF-style: chrX-39911606-A-G.
Other names: c.4922T>C, p.Met1641Thr (NM_001123383.2, NM_017745.6); c.4868T>C, p.Met1623Thr (NM_001123384.2); short protein forms M1623T, M1641T, M1675T.
Identifiers: ClinVar variation 3899772 (VCV003899772.1).
Genomic context (GRCh38, chrX:40,052,353, plus strand): 5'-GCCTCTGCAATGGTGACAATTTCCACGTTTGGAAAATTGCAGCGAAATATGCGGGAGGAC[A>G]TTTTCAATTTCTTAAGGACATCCGAAAGCAGTAGCCAGTTTCGTGGCCTACAAAACAGAA-3'
Protein context (NP_001116857.1, residues 1665-1685): LLSDVLKKLK[Met1675Thr]SSRIFRCNFP